The following is an entry in ClinVar:

ClinVar aggregate classification (germline): Uncertain significance (1 of 4 stars; one submission).

Submission:

Labcorp Genetics (formerly Invitae), Labcorp
Classification: Uncertain significance. Last evaluated: 2023-08-11. Review status: criteria provided, single submitter. Criteria: Invitae Variant Classification Sherloc (09022015). Collection method: clinical testing. Allele origin: germline.
Comment: In summary, the available evidence is currently insufficient to determine the role of this variant in disease. Therefore, it has been classified as a Variant of Uncertain Significance. This variant has not been reported in the literature in individuals affected with RFWD3-related conditions. An algorithm developed to predict the effect of missense changes on protein structure and function (PolyPhen-2) suggests that this variant is likely to be tolerated. This variant is not present in population databases (gnomAD no frequency). This sequence change replaces asparagine, which is neutral and polar, with threonine, which is neutral and polar, at codon 713 of the RFWD3 protein (p.Asn713Thr).

NM_018124.4(RFWD3):c.2138A>C (p.Asn713Thr)

Gene: RFWD3 (ring finger and WD repeat domain 3; minus strand). Cytogenetic location: 16q23.1.
Variant type: single nucleotide variant.
Coding change: c.2138A>C on transcript NM_018124.4 (MANE Select); coding-DNA position 2138, A replaced by C.
Protein change: p.Asn713Thr; replaces asparagine 713 with threonine.
Molecular consequence: missense variant.
Genome position (GRCh38, 1-based): chr16:74,626,386, T>G on the plus strand (A>C on the coding strand, the complement: RFWD3 is on the minus strand). VCF-style: chr16-74626386-T-G. GRCh37 (hg19) VCF-style: chr16-74660284-T-G.
Other names: c.2138A>C, p.Asn713Thr (NM_001370534.1, NM_001370535.1); c.1961A>C, p.Asn654Thr (NM_001370536.1); c.1304A>C, p.Asn435Thr (NM_001370537.1, NM_001370539.1, NM_001370540.1 and 3 more transcripts); short protein forms N654T, N435T, N713T.
Identifiers: ClinVar variation 2752157 (VCV002752157.3), dbSNP rs763237873, ClinGen allele CA396759247.
Genomic context (GRCh38, chr16:74,626,386, plus strand): 5'-AAAAGTAACAGGCTCACCAGGGCAGAATTTGCTGCTTCATCCCCAGTACACACCAGGATG[T>G]TGCCATCATTCTCTGGGCTTTGGAAAATGGCATTTTTGGTCAATAGTTTGCAAGTAGGTC-3'
Protein context (NP_060594.3, residues 703-723): AIFQSPENDG[Asn713Thr]ILVCTGDEAA